The following is an entry in ClinVar:

NM_130810.4(DNAAF4):c.784T>G (p.Trp262Gly)

Genes: DNAAF4-CCPG1 (DNAAF4-CCPG1 readthrough (NMD candidate); minus strand), DNAAF4 (dynein axonemal assembly factor 4; minus strand). Cytogenetic location: 15q21.3.
Variant type: single nucleotide variant.
Coding change: c.784T>G on transcript NM_130810.4 (MANE Select); coding-DNA position 784, T replaced by G.
Protein change: p.Trp262Gly; replaces tryptophan 262 with glycine.
Molecular consequence: missense variant. On other transcripts: non-coding transcript variant (1).
Genome position (GRCh38, 1-based): chr15:55,439,581, A>C on the plus strand (T>G on the coding strand, the complement: DNAAF4 is on the minus strand). VCF-style: chr15-55439581-A-C. GRCh37 (hg19) VCF-style: chr15-55731779-A-C.
Other names: c.784T>G, p.Trp262Gly (NM_001033559.3, NM_001033560.2); short protein forms W262G.
Identifiers: ClinVar variation 1372771 (VCV001372771.8), dbSNP rs2141423042, ClinGen allele CA392549398.

ClinVar aggregate classification (germline): Uncertain significance (1 of 4 stars; one submission).

Submission:

Labcorp Genetics (formerly Invitae), Labcorp
Classification: Uncertain significance. Last evaluated: 2024-10-17. Review status: criteria provided, single submitter. Criteria: Invitae Variant Classification Sherloc (09022015). Collection method: clinical testing. Allele origin: germline.
Comment: This sequence change replaces tryptophan, which is neutral and slightly polar, with glycine, which is neutral and non-polar, at codon 262 of the DNAAF4 protein (p.Trp262Gly). This variant is not present in population databases (gnomAD no frequency). This variant has not been reported in the literature in individuals affected with DNAAF4-related conditions. ClinVar contains an entry for this variant (Variation ID: 1372771). An algorithm developed to predict the effect of missense changes on protein structure and function (PolyPhen-2) suggests that this variant is likely to be disruptive. In summary, the available evidence is currently insufficient to determine the role of this variant in disease. Therefore, it has been classified as a Variant of Uncertain Significance.